The following is an entry in ClinVar:

NM_022916.6(VPS33A):c.47G>T (p.Arg16Leu)

Gene: VPS33A (VPS33A core subunit of CORVET and HOPS complexes; minus strand). Cytogenetic location: 12q24.31.
Variant type: single nucleotide variant.
Coding change: c.47G>T on transcript NM_022916.6 (MANE Select); coding-DNA position 47, G replaced by T.
Protein change: p.Arg16Leu; replaces arginine 16 with leucine.
Molecular consequence: missense variant. On other transcripts: 5 prime UTR variant (2).
Genome position (GRCh38, 1-based): chr12:122,266,362, C>A on the plus strand (G>T on the coding strand, the complement: VPS33A is on the minus strand). VCF-style: chr12-122266362-C-A. GRCh37 (hg19) VCF-style: chr12-122750909-C-A.
Other names: c.-217G>T (NM_001351018.2); c.-314G>T (NM_001351019.2); c.47G>T, p.Arg16Leu (NM_001351020.2, NM_001351021.2); c.47G>T (NM_022916.4); short protein forms R16L.
Identifiers: ClinVar variation 1391366 (VCV001391366.6), dbSNP rs780469814, ClinGen allele CA6844749.

ClinVar aggregate classification (germline): Uncertain significance. Review status: criteria provided, multiple submitters, no conflicts (2 of 4 stars). 2 submissions from 2 submitters: Uncertain significance (2). Last evaluated 2024-01-23.

Allele frequency attached by ClinVar (database versions not stated): gnomAD 0.00001; TOPMed 0.00002; gnomAD exomes 0.00006; ExAC 0.00009.
gnomAD v4.1: 21 of 1,613,522 alleles (0.0013%); highest among the groups gnomAD compares: East Asian, 0.045%; no homozygotes.

Submissions (2):

Ambry Genetics
Classification: Uncertain significance. Last evaluated: 2024-01-23. Review status: criteria provided, single submitter. Criteria: Ambry Variant Classification Scheme 2023. Collection method: clinical testing. Allele origin: germline.

Labcorp Genetics (formerly Invitae), Labcorp
Classification: Uncertain significance. Last evaluated: 2022-03-08. Review status: criteria provided, single submitter. Criteria: Invitae Variant Classification Sherloc (09022015). Collection method: clinical testing. Allele origin: germline.
Comment: This sequence change replaces arginine, which is basic and polar, with leucine, which is neutral and non-polar, at codon 16 of the VPS33A protein (p.Arg16Leu). This variant is present in population databases (rs780469814, gnomAD 0.09%). This variant has not been reported in the literature in individuals affected with VPS33A-related conditions. Algorithms developed to predict the effect of missense changes on protein structure and function are either unavailable or do not agree on the potential impact of this missense change (SIFT: "Tolerated"; PolyPhen-2: "Probably Damaging"; Align-GVGD: "Class C0"). In summary, the available evidence is currently insufficient to determine the role of this variant in disease. Therefore, it has been classified as a Variant of Uncertain Significance.